The following is an entry in ClinVar:

ClinVar aggregate classification (germline): Conflicting classifications of pathogenicity. Review status: criteria provided, conflicting classifications (1 of 4 stars). 2 submissions from 2 submitters: Uncertain significance (1); Likely benign (1). Last evaluated 2025-04-21.

Conditions:
Severe combined immunodeficiency due to DNA-PKcs deficiency. Also called: IMMUNODEFICIENCY 26 WITH NEUROLOGIC ABNORMALITIES; Immunodeficiency 26 with or without neurologic abnormalities. Identifiers: Orphanet 317425, MedGen C4014833, MONDO:0014423, OMIM 615966.

Allele frequency attached by ClinVar (database versions not stated): gnomAD 0.00001; gnomAD exomes 0.00001 and 0.00004; TOPMed 0.00002.

Submissions (2):

Ambry Genetics
Classification: Likely benign. Last evaluated: 2025-04-21. Review status: criteria provided, single submitter. Criteria: Ambry Variant Classification Scheme 2023. Collection method: clinical testing. Allele origin: germline.

Labcorp Genetics (formerly Invitae), Labcorp
Classification: Uncertain significance for Severe combined immunodeficiency due to DNA-PKcs deficiency. Last evaluated: 2022-06-13. Review status: criteria provided, single submitter. Criteria: Invitae Variant Classification Sherloc (09022015). Collection method: clinical testing. Allele origin: germline.
Comment: This sequence change replaces alanine with threonine at codon 549 of the PRKDC protein (p.Ala549Thr). The alanine residue is highly conserved and there is a small physicochemical difference between alanine and threonine. This variant is present in population databases (no rsID available, gnomAD 0.003%). This variant has not been reported in the literature in individuals affected with PRKDC-related conditions. ClinVar contains an entry for this variant (Variation ID: 661685). Algorithms developed to predict the effect of missense changes on protein structure and function output the following: SIFT: "Not Available"; PolyPhen-2: "Not Available"; Align-GVGD: "Not Available". The threonine amino acid residue is found in multiple mammalian species, which suggests that this missense change does not adversely affect protein function. Algorithms developed to predict the effect of sequence changes on RNA splicing suggest that this variant may create or strengthen a splice site. In summary, the available evidence is currently insufficient to determine the role of this variant in disease. Therefore, it has been classified as a Variant of Uncertain Significance.

NM_006904.7(PRKDC):c.1645G>A (p.Ala549Thr)

Gene: PRKDC (protein kinase, DNA-activated, catalytic subunit; minus strand). Cytogenetic location: 8q11.21.
Variant type: single nucleotide variant.
Coding change: c.1645G>A on transcript NM_006904.7 (MANE Select); coding-DNA position 1645, G replaced by A.
Protein change: p.Ala549Thr; replaces alanine 549 with threonine.
Molecular consequence: missense variant.
Genome position (GRCh38, 1-based): chr8:47,933,151, C>T on the plus strand (G>A on the coding strand, the complement: PRKDC is on the minus strand). VCF-style: chr8-47933151-C-T. GRCh37 (hg19) VCF-style: chr8-48845711-C-T.
Other names: c.1645G>A, p.Ala549Thr (NM_001081640.2); short protein forms A549T.
Identifiers: ClinVar variation 661685 (VCV000661685.5), dbSNP rs879333781, ClinGen allele CA176165552.